The following is an entry in ClinVar:

NM_000140.5(FECH):c.1233C>A (p.Cys411Ter)

Gene: FECH (ferrochelatase; minus strand). Cytogenetic location: 18q21.31.
Variant type: single nucleotide variant.
Coding change: c.1233C>A on transcript NM_000140.5 (MANE Select); coding-DNA position 1233, C replaced by A.
Protein change: p.Cys411Ter; replaces cysteine 411 with a stop codon.
Molecular consequence: nonsense.
Genome position (GRCh38, 1-based): chr18:57,550,751, G>T on the plus strand (C>A on the coding strand, the complement: FECH is on the minus strand). VCF-style: chr18-57550751-G-T. GRCh37 (hg19) VCF-style: chr18-55217983-G-T.
Other names: c.1251C>A, p.Cys417Ter (NM_001012515.4); c.1134C>A, p.Cys378Ter (NM_001371094.1); c.1017C>A, p.Cys339Ter (NM_001371095.1); c.1173C>A, p.Cys391Ter (NM_001374778.1); short protein forms C411*, C417*, C378*, C339*, C391*.
Identifiers: ClinVar variation 3723150 (VCV003723150.2).
Genomic context (GRCh38, chr18:57,550,751, plus strand): 5'-CACGGGGTCCACCGGCGGGGGTCACAGCTGCTGGCTGGTGAAGAAGGATTTAGTCTCCCT[G>T]CAGACAGGATTGACACAGAGCGGACAGCTCAGGGTCAGCTGCTTGGAACACAGCTCGTTT-3'

ClinVar aggregate classification (germline): Pathogenic (1 of 4 stars; one submission).

gnomAD v4.1: 3 of 1,614,158 alleles (0.00019%); highest among the groups gnomAD compares: Non-Finnish European, 0.00025%; no homozygotes.

Submission:

Labcorp Genetics (formerly Invitae), Labcorp
Classification: Pathogenic. Last evaluated: 2024-03-16. Review status: criteria provided, single submitter. Criteria: Invitae Variant Classification Sherloc (09022015). Collection method: clinical testing. Allele origin: germline.
Comment: This sequence change creates a premature translational stop signal (p.Cys411*) in the FECH gene. While this is not anticipated to result in nonsense mediated decay, it is expected to disrupt the last 13 amino acid(s) of the FECH protein. This variant is not present in population databases (gnomAD no frequency). This premature translational stop signal has been observed in individual(s) with erythropoietic protoporphyria (PMID: 23364466). This variant disrupts a region of the FECH protein in which other variant(s) (p.Cys411Gly) have been determined to be pathogenic (PMID: 10942404, 16385445, 20105171, 33021473; Invitae). This suggests that this is a clinically significant region of the protein, and that variants that disrupt it are likely to be disease-causing. For these reasons, this variant has been classified as Pathogenic.

Literature cited by the submitters: PubMed 23364466; PubMed 10942404; PubMed 16385445; PubMed 20105171; PubMed 33021473.